The following is an entry in ClinVar:

NM_004385.5(VCAN):c.4004-5T>C

Genes: VCAN (versican; plus strand), VCAN-AS1 (VCAN antisense RNA 1; minus strand). Cytogenetic location: 5q14.3.
Variant type: single nucleotide variant.
Coding change: c.4004-5T>C on transcript NM_004385.5 (MANE Select); 5 bases into the intron before coding-DNA position 4004, T replaced by C.
Molecular consequence: intron variant.
Genome position (GRCh38, 1-based): chr5:83,537,002, T>C. VCF-style: chr5-83537002-T-C. GRCh37 (hg19) VCF-style: chr5-82832821-T-C.
Other names: IVS7AS, T-C, -5; c.4004-8535T>C (NM_001164098.2); c.1043-5T>C (NM_001164097.2); c.1043-8535T>C (NM_001126336.3).
Identifiers: ClinVar variation 21407 (VCV000021407.9), dbSNP rs80356556, ClinGen allele CA342037.

ClinVar aggregate classification (germline): Pathogenic. Review status: criteria provided, multiple submitters, no conflicts (2 of 4 stars). 5 submissions from 5 submitters: Pathogenic (2). 3 of the submissions do not count toward it. Last evaluated 2023-08-04.

Conditions:
VCAN-related disorder. Also called: VCAN-related condition.
Wagner disease. Also called: WAGNER SYNDROME 1; Wagner syndrome; HYALOIDEORETINAL DEGENERATION OF WAGNER; WAGNER VITREORETINOPATHY; WAGNER VITREORETINAL DEGENERATION; Wagner Vitreoretinal Degeneration (Wagner Synrdome). Identifiers: Orphanet 898, MedGen C1840452, MONDO:0007740, OMIM 143200.

Submissions (5):

Labcorp Genetics (formerly Invitae), Labcorp
Classification: Pathogenic. Last evaluated: 2023-08-04. Review status: criteria provided, single submitter. Criteria: Invitae Variant Classification Sherloc (09022015). Collection method: clinical testing. Allele origin: germline.
Comment: This variant has been observed in individual(s) with Wagner syndrome (PMID: 16877430). It has also been observed to segregate with disease in related individuals. ClinVar contains an entry for this variant (Variation ID: 21407). Studies have shown that this variant is associated with altered splicing resulting in multiple RNA products (PMID: 16877430). For these reasons, this variant has been classified as Pathogenic. This sequence change falls in intron 7 of the VCAN gene. It does not directly change the encoded amino acid sequence of the VCAN protein. This variant is not present in population databases (gnomAD no frequency).

Blueprint Genetics
Classification: Pathogenic for VCAN-related disorders. Last evaluated: 2021-06-24. Review status: criteria provided, single submitter. Criteria: ACMG Guidelines, 2015. Collection method: clinical testing. Allele origin: germline. Affected: yes. Observed: 3 variant alleles.

OMIM
Classification: Pathogenic for WAGNER VITREORETINOPATHY. Last evaluated: 2006-08-01. Review status: no assertion criteria provided. Collection method: literature only. Allele origin: germline. Not counted in ClinVar's aggregate classification.

Clinical Genetics DNA and cytogenetics Diagnostics Lab, Erasmus MC, Erasmus Medical Center
Classification: Pathogenic. Review status: no assertion criteria provided. Collection method: clinical testing. Allele origin: germline. Affected: yes. Study: VKGL Data-share Consensus. Not counted in ClinVar's aggregate classification.

GeneReviews
No classification provided. Condition: Wagner disease. Review status: no classification provided. Collection method: literature only. Allele origin: germline. Affected: yes. Not counted in ClinVar's aggregate classification.

Literature cited by the submitters: PubMed 16877430 (cited by 3 submitters); NCBI Bookshelf NBK3821 (cited by GeneReviews).